The following is an entry in ClinVar:

ClinVar aggregate classification (germline): Uncertain significance. Review status: criteria provided, multiple submitters, no conflicts (2 of 4 stars). 2 submissions from 2 submitters: Uncertain significance (2). Last evaluated 2022-03-15.

Conditions:
Charcot-Marie-Tooth disease X-linked dominant 6. Also called: CHARCOT-MARIE-TOOTH NEUROPATHY, X-LINKED DOMINANT, 6. Identifiers: Orphanet 352675, MedGen C3806702, MONDO:0010479, OMIM 300905.

Submissions (2):

Labcorp Genetics (formerly Invitae), Labcorp
Classification: Uncertain significance for Charcot-Marie-Tooth disease X-linked dominant 6. Last evaluated: 2022-03-15. Review status: criteria provided, single submitter. Criteria: Invitae Variant Classification Sherloc (09022015). Collection method: clinical testing. Allele origin: germline.
Comment: In summary, the available evidence is currently insufficient to determine the role of this variant in disease. Therefore, it has been classified as a Variant of Uncertain Significance. Algorithms developed to predict the effect of missense changes on protein structure and function are either unavailable or do not agree on the potential impact of this missense change (SIFT: "Tolerated"; PolyPhen-2: "Probably Damaging"; Align-GVGD: "Class C0"). ClinVar contains an entry for this variant (Variation ID: 1313041). This variant has not been reported in the literature in individuals affected with PDK3-related conditions. This variant is not present in population databases (gnomAD no frequency). This sequence change replaces leucine, which is neutral and non-polar, with proline, which is neutral and non-polar, at codon 112 of the PDK3 protein (p.Leu112Pro).

GeneDx
Classification: Uncertain significance. Last evaluated: 2020-07-21. Review status: criteria provided, single submitter. Criteria: GeneDx Variant Classification Process June 2021. Collection method: clinical testing. Allele origin: germline. Affected: yes.
Comment: Not observed in large population cohorts (Lek et al., 2016); In silico analysis supports that this missense variant has a deleterious effect on protein structure/function; Has not been previously published as pathogenic or benign to our knowledge

NM_005391.5(PDK3):c.335T>C (p.Leu112Pro)

Gene: PDK3 (pyruvate dehydrogenase kinase 3; plus strand). Cytogenetic location: Xp22.11.
Variant type: single nucleotide variant.
Coding change: c.335T>C on transcript NM_005391.5 (MANE Select); coding-DNA position 335, T replaced by C.
Protein change: p.Leu112Pro; replaces leucine 112 with proline.
Molecular consequence: missense variant.
Genome position (GRCh38, 1-based): chrX:24,503,341, T>C. VCF-style: chrX-24503341-T-C. GRCh37 (hg19) VCF-style: chrX-24521458-T-C.
Other names: c.335T>C, p.Leu112Pro (NM_001142386.3); short protein forms L112P.
Identifiers: ClinVar variation 1313041 (VCV001313041.6), dbSNP rs2148191720, ClinGen allele CA412605134.